The following is an entry in ClinVar:

ClinVar aggregate classification (germline): Benign (1 of 4 stars; one submission).

Allele frequency attached by ClinVar (database versions not stated): 1000 Genomes Project 0.07907; 1000 Genomes Project 30x 0.08245; TOPMed 0.10408; gnomAD 0.11058 and 0.11472.
gnomAD v4.1: 73,758 of 733,984 alleles (10%); highest among the groups gnomAD compares: African/African-American, 13%; 4,191 homozygotes.

Submission:

GeneDx
Classification: Benign. Last evaluated: 2018-06-19. Review status: criteria provided, single submitter. Criteria: GeneDx Variant Classification (06012015). Collection method: clinical testing. Allele origin: germline. Affected: yes.
Comment: This variant is considered likely benign or benign based on one or more of the following criteria: it is a conservative change, it occurs at a poorly conserved position in the protein, it is predicted to be benign by multiple in silico algorithms, and/or has population frequency not consistent with disease.

NM_153717.3(EVC):c.2561+144G>T

Gene: EVC (EvC ciliary complex subunit 1; plus strand). Cytogenetic location: 4p16.2.
Variant type: single nucleotide variant.
Coding change: c.2561+144G>T on transcript NM_153717.3 (MANE Select); 144 bases into the intron after coding-DNA position 2561, G replaced by T.
Molecular consequence: intron variant.
Genome position (GRCh38, 1-based): chr4:5,804,985, G>T. VCF-style: chr4-5804985-G-T. GRCh37 (hg19) VCF-style: chr4-5806712-G-T.
Other names: c.2561+144G>T (NM_001306090.2).
Identifiers: ClinVar variation 671259 (VCV000671259.1), dbSNP rs62297684, ClinGen allele CA11634320.